The following is an entry in ClinVar:

ClinVar aggregate classification (germline): Conflicting classifications of pathogenicity. Review status: criteria provided, conflicting classifications (1 of 4 stars). 2 submissions from 2 submitters: Uncertain significance (1); Benign (1). Last evaluated 2024-12-17.

Conditions:
BAP1-related tumor predisposition syndrome (TPDS1). Also called: COMMON Syndrome; TUMOR PREDISPOSITION SYNDROME 1; BAP1 tumor predisposition syndrome; Tumor susceptibility linked to germline BAP1 mutations. Identifiers: Orphanet 289539, MedGen C3280492, MONDO:0013692, OMIM 614327.
Hereditary cancer-predisposing syndrome. Also called: Neoplastic Syndromes, Hereditary; Hereditary Cancer Syndrome; Hereditary neoplastic syndrome; Tumor predisposition. Identifiers: Orphanet 140162, MedGen C0027672, MeSH D009386, MONDO:0015356.

gnomAD v4.1: 6 of 1,614,176 alleles (0.00037%); highest among the groups gnomAD compares: Non-Finnish European, 0.00051%; no homozygotes.

Submissions (2):

Ambry Genetics
Classification: Benign for Hereditary cancer-predisposing syndrome. Last evaluated: 2024-12-17. Review status: criteria provided, single submitter. Criteria: Ambry Variant Classification Scheme 2023. Collection method: clinical testing. Allele origin: germline.

Labcorp Genetics (formerly Invitae), Labcorp
Classification: Uncertain significance for BAP1-related tumor predisposition syndrome. Last evaluated: 2024-08-05. Review status: criteria provided, single submitter. Criteria: Invitae Variant Classification Sherloc (09022015). Collection method: clinical testing. Allele origin: germline.
Comment: This sequence change replaces glycine, which is neutral and non-polar, with alanine, which is neutral and non-polar, at codon 41 of the BAP1 protein (p.Gly41Ala). This variant also falls at the last nucleotide of exon 3, which is part of the consensus splice site for this exon. This variant is not present in population databases (gnomAD no frequency). This variant has not been reported in the literature in individuals affected with BAP1-related conditions. ClinVar contains an entry for this variant (Variation ID: 539927). An algorithm developed to predict the effect of missense changes on protein structure and function (PolyPhen-2) suggests that this variant is likely to be disruptive. Variants that disrupt the consensus splice site are a relatively common cause of aberrant splicing (PMID: 17576681, 9536098). Algorithms developed to predict the effect of sequence changes on RNA splicing suggest that this variant may disrupt the consensus splice site. In summary, the available evidence is currently insufficient to determine the role of this variant in disease. Therefore, it has been classified as a Variant of Uncertain Significance.

Literature cited by the submitters: PubMed 38969833 (cited by Ambry Genetics); PubMed 17576681 (cited by Labcorp Genetics (formerly Invitae), Labcorp); PubMed 9536098 (cited by Labcorp Genetics (formerly Invitae), Labcorp).

NM_004656.4(BAP1):c.122G>C (p.Gly41Ala)

Gene: BAP1 (BRCA1 associated deubiquitinase 1; minus strand). Cytogenetic location: 3p21.1.
Variant type: single nucleotide variant.
Coding change: c.122G>C on transcript NM_004656.4 (MANE Select); coding-DNA position 122, G replaced by C.
Protein change: p.Gly41Ala; replaces glycine 41 with alanine.
Molecular consequence: missense variant.
Genome position (GRCh38, 1-based): chr3:52,409,554, C>G on the plus strand (G>C on the coding strand, the complement: BAP1 is on the minus strand). VCF-style: chr3-52409554-C-G. GRCh37 (hg19) VCF-style: chr3-52443570-C-G.
Other names: short protein forms G41A.
Identifiers: ClinVar variation 539927 (VCV000539927.9), dbSNP rs1553646278, ClinGen allele CA353114469.
Genomic context (GRCh38, chr3:52,409,554, plus strand): 5'-CTCTGGGACCTTCCCCAGCACTCTGGGTGTAAGGGGCAGCCCTGGTGTACAGCCACTCAC[C>G]CCTGACATTTGCTCTGAAGGTCGTAGATCTCCTCCACTTGCACCCCCTTGACACCTGCGA-3'
Protein context (NP_004647.1, residues 31-51): EIYDLQSKCQ[Gly41Ala]PVYGFIFLFK